The following is an entry in ClinVar:

NM_000548.5(TSC2):c.3254C>G (p.Ser1085Trp)

Gene: TSC2 (TSC complex subunit 2; plus strand). Cytogenetic location: 16p13.3.
Variant type: single nucleotide variant.
Coding change: c.3254C>G on transcript NM_000548.5 (MANE Select); coding-DNA position 3254, C replaced by G.
Protein change: p.Ser1085Trp; replaces serine 1085 with tryptophan.
Molecular consequence: missense variant.
Genome position (GRCh38, 1-based): chr16:2,079,398, C>G. VCF-style: chr16-2079398-C-G. GRCh37 (hg19) VCF-style: chr16-2129399-C-G.
Other names: c.3122C>G, p.Ser1041Trp (NM_001077183.3, NM_001370404.1, NM_001406665.1); c.3254C>G, p.Ser1085Trp (NM_001114382.3); c.3014C>G, p.Ser1005Trp (NM_001318827.2); c.2978C>G, p.Ser993Trp (NM_001318829.2); c.2522C>G, p.Ser841Trp (NM_001318831.2, NM_001406687.1, NM_001406688.1); c.3155C>G, p.Ser1052Trp (NM_001318832.2); c.3125C>G, p.Ser1042Trp (NM_001363528.2, NM_001370405.1, NM_021055.3); c.3251C>G, p.Ser1084Trp (NM_001406663.1, NM_001406664.1); and 18 more; short protein forms S1004W, S1005W, S1036W, S1038W, S1048W, S594W, S884W, S1037W.
Identifiers: ClinVar variation 1729447 (VCV001729447.2), dbSNP rs45517287, ClinGen allele CA394286155.
Genomic context (GRCh38, chr16:2,079,398, plus strand): 5'-AGCTTGTCACTGTGACGACAAGCGTGGGAACCGGGACCCGGTCGTTACTAGGCCTGGACT[C>G]GGGGGAGCTGCAGTCCGGCCCGGAGTCGAGGTGACTGCACCTTCCTTTCCTCCGCGCCTG-3'
Protein context (NP_000539.2, residues 1075-1095): TGTRSLLGLD[Ser1085Trp]GELQSGPESS

ClinVar aggregate classification (germline): Uncertain significance (1 of 4 stars; one submission).

Conditions:
Hereditary cancer-predisposing syndrome. Also called: Neoplastic Syndromes, Hereditary; Tumor predisposition; Hereditary Cancer Syndrome; Hereditary neoplastic syndrome. Identifiers: Orphanet 140162, MedGen C0027672, MeSH D009386, MONDO:0015356.

gnomAD v4.1: 1 of 1,612,784 alleles (0.000062%); highest among the groups gnomAD compares: Non-Finnish European, 0.000085%; no homozygotes.

Submission:

Ambry Genetics
Classification: Uncertain significance for Hereditary cancer-predisposing syndrome. Last evaluated: 2022-01-08. Review status: criteria provided, single submitter. Criteria: Ambry Variant Classification Scheme 2023. Collection method: clinical testing. Allele origin: germline.
Comment: The p.S1085W variant (also known as c.3254C>G), located in coding exon 27 of the TSC2 gene, results from a C to G substitution at nucleotide position 3254. The serine at codon 1085 is replaced by tryptophan, an amino acid with highly dissimilar properties. This amino acid position is conserved. In addition, the in silico prediction for this alteration is inconclusive. Since supporting evidence is limited at this time, the clinical significance of this alteration remains unclear.